The following is an entry in ClinVar:

ClinVar aggregate classification (germline): Uncertain significance. Review status: criteria provided, multiple submitters, no conflicts (2 of 4 stars). 2 submissions from 2 submitters: Uncertain significance (2). Last evaluated 2026-09-01.

Conditions:
CHD3-related disorder. Also called: CHD3-related condition.
Inborn genetic diseases. Identifiers: MedGen C0950123, MeSH D030342.

Submissions (2):

Ambry Genetics
Classification: Uncertain significance for Inborn genetic diseases. Last evaluated: 2026-09-01. Review status: criteria provided, single submitter. Criteria: Ambry Variant Classification Scheme 2023. Collection method: clinical testing. Allele origin: germline.

PreventionGenetics, part of Exact Sciences
Classification: Uncertain significance for CHD3-related condition. Last evaluated: 2023-08-30. Review status: criteria provided, single submitter. Criteria: ACMG Guidelines, 2015. Collection method: clinical testing. Allele origin: germline.
Comment: The CHD3 c.1757C>G variant is predicted to result in the amino acid substitution p.Pro586Arg. To our knowledge, this variant has not been reported in the literature or in a large population database, indicating this variant is rare. At this time, the clinical significance of this variant is uncertain due to the absence of conclusive functional and genetic evidence.

NM_001005273.3(CHD3):c.1580C>G (p.Pro527Arg)

Gene: CHD3 (chromodomain helicase DNA binding protein 3; plus strand). Cytogenetic location: 17p13.1.
Variant type: single nucleotide variant.
Coding change: c.1580C>G on transcript NM_001005273.3 (MANE Select); coding-DNA position 1580, C replaced by G.
Protein change: p.Pro527Arg; replaces proline 527 with arginine.
Molecular consequence: missense variant.
Genome position (GRCh38, 1-based): chr17:7,895,415, C>G. VCF-style: chr17-7895415-C-G. GRCh37 (hg19) VCF-style: chr17-7798733-C-G.
Other names: c.1757C>G, p.Pro586Arg (NM_001005271.3); c.1580C>G, p.Pro527Arg (NM_005852.4); short protein forms P527R, P586R.
Identifiers: ClinVar variation 2631119 (VCV002631119.2), dbSNP rs1036932687, ClinGen allele CA287491531.